The following is an entry in ClinVar:

ClinVar aggregate classification (germline): Uncertain significance. Review status: criteria provided, multiple submitters, no conflicts (2 of 4 stars). 2 submissions from 2 submitters: Uncertain significance (2). Last evaluated 2023-03-24.

Conditions:
Hypertrophic cardiomyopathy. Also called: HYPERTROPHIC MYOCARDIOPATHY. Identifiers: Orphanet 217569, MedGen C0007194, MeSH D002312, MONDO:0005045, HP:0001639.

gnomAD v4.1: 3 of 1,612,586 alleles (0.00019%); highest among the groups gnomAD compares: African/African-American, 0.0013%; no homozygotes.

Submissions (2):

Labcorp Genetics (formerly Invitae), Labcorp
Classification: Uncertain significance for Hypertrophic cardiomyopathy. Last evaluated: 2023-03-24. Review status: criteria provided, single submitter. Criteria: Invitae Variant Classification Sherloc (09022015). Collection method: clinical testing. Allele origin: germline.
Comment: In summary, the available evidence is currently insufficient to determine the role of this variant in disease. Therefore, it has been classified as a Variant of Uncertain Significance. Advanced modeling of protein sequence and biophysical properties (such as structural, functional, and spatial information, amino acid conservation, physicochemical variation, residue mobility, and thermodynamic stability) performed at Invitae indicates that this missense variant is expected to disrupt MYH7 protein function. ClinVar contains an entry for this variant (Variation ID: 427102). This variant has not been reported in the literature in individuals affected with MYH7-related conditions. This variant is not present in population databases (gnomAD no frequency). This sequence change replaces glycine, which is neutral and non-polar, with aspartic acid, which is acidic and polar, at codon 377 of the MYH7 protein (p.Gly377Asp).

GeneDx
Classification: Uncertain significance. Last evaluated: 2022-03-07. Review status: criteria provided, single submitter. Criteria: GeneDx Variant Classification Process June 2021. Collection method: clinical testing. Allele origin: germline. Affected: yes.
Comment: Has not been previously published as pathogenic or benign to our knowledge; Not observed at significant frequency in large population cohorts (gnomAD); In silico analysis supports that this missense variant has a deleterious effect on protein structure/function; This variant is associated with the following publications: (PMID: 27532257, 29300372)

NM_000257.4(MYH7):c.1130G>A (p.Gly377Asp)

Gene: MYH7 (myosin heavy chain 7; minus strand). Cytogenetic location: 14q11.2.
Variant type: single nucleotide variant.
Coding change: c.1130G>A on transcript NM_000257.4 (MANE Select); coding-DNA position 1130, G replaced by A.
Protein change: p.Gly377Asp; replaces glycine 377 with aspartic acid.
Molecular consequence: missense variant.
Genome position (GRCh38, 1-based): chr14:23,429,783, C>T on the plus strand (G>A on the coding strand, the complement: MYH7 is on the minus strand). VCF-style: chr14-23429783-C-T. GRCh37 (hg19) VCF-style: chr14-23898992-C-T.
Other names: c.1130G>A (LRG_384t1); short protein forms G377D.
Identifiers: ClinVar variation 427102 (VCV000427102.11), dbSNP rs1085307959, ClinGen allele CA389051291.